The following is an entry in ClinVar:

NM_004370.6(COL12A1):c.7085del (p.Gln2362fs)

Gene: COL12A1 (collagen type XII alpha 1 chain; minus strand). Cytogenetic location: 6q13.
Variant type: Deletion.
Coding change: c.7085del on transcript NM_004370.6 (MANE Select); coding-DNA position 7085, one base deleted (A; older notation c.7085delA).
Protein change: p.Gln2362fs; shifts the reading frame from glutamine 2362.
Molecular consequence: frameshift variant.
Genome position (GRCh38, 1-based): chr6:75,121,303, T deleted on the plus strand (A on the coding strand, the reverse complement: COL12A1 is on the minus strand). VCF-style (leftmost placement, unchanged base first): chr6-75121302-CT-C. GRCh37 (hg19) VCF-style: chr6-75831018-CT-C.
Other names: c.3593del, p.Gln1198fs (NM_080645.3); short protein forms Q1198fs, Q2362fs.
Identifiers: ClinVar variation 1070407 (VCV001070407.9), dbSNP rs2149369481, ClinGen allele CA2499218531.

ClinVar aggregate classification (germline): Pathogenic (1 of 4 stars; one submission).

Conditions:
Ullrich congenital muscular dystrophy 2 (UCMD2). Identifiers: Orphanet 75840, MedGen C4225314, MONDO:0014654, OMIM 616470.
Bethlem myopathy 2 (BTHLM2). Identifiers: Orphanet 536516, Orphanet 610, MedGen C4225313, MONDO:0034022, OMIM 616471.

Submission:

Labcorp Genetics (formerly Invitae), Labcorp
Classification: Pathogenic for Bethlem myopathy 2; Ullrich congenital muscular dystrophy 2. Last evaluated: 2020-03-18. Review status: criteria provided, single submitter. Criteria: Invitae Variant Classification Sherloc (09022015). Collection method: clinical testing. Allele origin: germline.
Comment: This sequence change creates a premature translational stop signal (p.Gln2362Argfs*17) in the COL12A1 gene. It is expected to result in an absent or disrupted protein product. This variant is not present in population databases (ExAC no frequency). This variant has not been reported in the literature in individuals with COL12A1-related conditions. Algorithms developed to predict the effect of sequence changes on RNA splicing suggest that this variant may disrupt the consensus splice site, but this prediction has not been confirmed by published transcriptional studies. Loss-of-function variants in COL12A1 are known to be pathogenic (PMID: 24334604, 28973083). For these reasons, this variant has been classified as Pathogenic.

Literature cited by the submitters: PubMed 24334604; PubMed 28973083.